The following is an entry in ClinVar:

ClinVar aggregate classification (germline): Likely benign. Review status: criteria provided, multiple submitters, no conflicts (2 of 4 stars). 4 submissions from 4 submitters: Likely benign (3). 1 of the submissions does not count toward it. Last evaluated 2025-11-03.

Conditions:
Inborn genetic diseases. Identifiers: MedGen C0950123, MeSH D030342.
Multiple congenital anomalies-hypotonia-seizures syndrome 1 (MCAHS1). Also called: GLYCOSYLPHOSPHATIDYLINOSITOL BIOSYNTHESIS DEFECT 3; PIGN-CDG; Congenital disorder of glycosylation due to PIGN deficiency. Identifiers: Orphanet 280633, MedGen C3279775, MONDO:0013563, OMIM 614080.
PIGN-related disorder. Also called: PIGN-related condition.

Allele frequency attached by ClinVar (database versions not stated): TOPMed below 0.00001; gnomAD 0.00001 and 0.00002; gnomAD exomes 0.00001.
gnomAD v4.1: 15 of 1,610,868 alleles (0.00093%); highest among the groups gnomAD compares: East Asian, 0.025%; no homozygotes.

Submissions (4):

Labcorp Genetics (formerly Invitae), Labcorp
Classification: Likely benign for Multiple congenital anomalies-hypotonia-seizures syndrome 1. Last evaluated: 2025-11-03. Review status: criteria provided, single submitter. Criteria: Invitae Variant Classification Sherloc (09022015). Collection method: clinical testing. Allele origin: germline.

CeGaT Center for Human Genetics Tuebingen
Classification: Likely benign. Last evaluated: 2025-10-01. Review status: criteria provided, single submitter. Criteria: CeGaT Center For Human Genetics Tuebingen Variant Classification Criteria Version 2. Collection method: clinical testing. Allele origin: germline. Affected: yes. Observed: 1 variant allele.
Comment: PIGN: BP4, BP7

Ambry Genetics
Classification: Likely benign for Inborn genetic diseases. Last evaluated: 2019-12-15. Review status: criteria provided, single submitter. Criteria: Ambry Variant Classification Scheme 2023. Collection method: clinical testing. Allele origin: germline.

PreventionGenetics, part of Exact Sciences
Classification: Likely benign for PIGN-related condition. Last evaluated: 2024-05-22. Review status: no assertion criteria provided. Collection method: clinical testing. Allele origin: germline. Not counted in ClinVar's aggregate classification.
Comment: This variant is classified as likely benign based on ACMG/AMP sequence variant interpretation guidelines (Richards et al. 2015 PMID: 25741868, with internal and published modifications).

NM_176787.5(PIGN):c.2040G>A (p.Leu680=)

Gene: PIGN (phosphatidylinositol glycan anchor biosynthesis class N; minus strand). Cytogenetic location: 18q21.33.
Variant type: single nucleotide variant.
Coding change: c.2040G>A on transcript NM_176787.5 (MANE Select); coding-DNA position 2040, G replaced by A.
Protein change: p.Leu680=; no amino-acid change (leucine 680 retained).
Molecular consequence: synonymous variant.
Genome position (GRCh38, 1-based): chr18:62,101,112, C>T on the plus strand (G>A on the coding strand, the complement: PIGN is on the minus strand). VCF-style: chr18-62101112-C-T. GRCh37 (hg19) VCF-style: chr18-59768345-C-T.
Other names: c.2040G>A, p.Leu680= (NM_012327.6).
Identifiers: ClinVar variation 472216 (VCV000472216.20), dbSNP rs774381597, ClinGen allele CA8982103.